The following is an entry in ClinVar:

ClinVar aggregate classification (germline): Uncertain significance (1 of 4 stars; one submission).

Conditions:
Hereditary cancer-predisposing syndrome. Also called: Tumor predisposition; Hereditary Cancer Syndrome; Hereditary neoplastic syndrome; Neoplastic Syndromes, Hereditary. Identifiers: Orphanet 140162, MedGen C0027672, MeSH D009386, MONDO:0015356.

Allele frequency attached by ClinVar (database versions not stated): gnomAD exomes below 0.00001; ExAC 0.00001.
gnomAD v4.1: 1 of 1,613,494 alleles (0.000062%); highest among the groups gnomAD compares: South Asian, 0.0011%; no homozygotes.

Submission:

Ambry Genetics
Classification: Uncertain significance for Hereditary cancer-predisposing syndrome. Last evaluated: 2023-09-02. Review status: criteria provided, single submitter. Criteria: Ambry Variant Classification Scheme 2023. Collection method: clinical testing. Allele origin: germline.
Comment: The p.M444T variant (also known as c.1331T>C), located in coding exon 13 of the POLE gene, results from a T to C substitution at nucleotide position 1331. The methionine at codon 444 is replaced by threonine, an amino acid with similar properties. This amino acid position is highly conserved in available vertebrate species. In addition, the in silico prediction for this alteration is inconclusive. Since supporting evidence is limited at this time, the clinical significance of this alteration remains unclear.

NM_006231.4(POLE):c.1331T>C (p.Met444Thr)

Gene: POLE (DNA polymerase epsilon, catalytic subunit; minus strand). Cytogenetic location: 12q24.33.
Variant type: single nucleotide variant.
Coding change: c.1331T>C on transcript NM_006231.4 (MANE Select); coding-DNA position 1331, T replaced by C.
Protein change: p.Met444Thr; replaces methionine 444 with threonine.
Molecular consequence: missense variant.
Genome position (GRCh38, 1-based): chr12:132,673,603, A>G on the plus strand (T>C on the coding strand, the complement: POLE is on the minus strand). VCF-style: chr12-132673603-A-G. GRCh37 (hg19) VCF-style: chr12-133250189-A-G.
Other names: short protein forms M444T.
Identifiers: ClinVar variation 2625234 (VCV002625234.2), dbSNP rs770307250, ClinGen allele CA6894003.